The following is an entry in ClinVar:

ClinVar aggregate classification (germline): Likely benign. Review status: criteria provided, multiple submitters, no conflicts (2 of 4 stars). 3 submissions from 3 submitters: Likely benign (3). Last evaluated 2026-01-19.

Conditions:
Leber congenital amaurosis 4 (LCA4). Identifiers: MedGen C1858386, MONDO:0011458, OMIM 604393.

Allele frequency attached by ClinVar (database versions not stated): gnomAD exomes 0.00005 and 0.00016; gnomAD 0.00008 and 0.00011; ExAC 0.00012; TOPMed 0.00012; 1000 Genomes Project 30x 0.00047; 1000 Genomes Project 0.00060.
gnomAD v4.1: 90 of 1,612,596 alleles (0.0056%); highest among the groups gnomAD compares: East Asian, 0.094%; no homozygotes.

Submissions (3):

Labcorp Genetics (formerly Invitae), Labcorp
Classification: Likely benign for Leber congenital amaurosis 4. Last evaluated: 2026-01-19. Review status: criteria provided, single submitter. Criteria: Invitae Variant Classification Sherloc (09022015). Collection method: clinical testing. Allele origin: germline.

Blueprint Genetics
Classification: Likely benign. Last evaluated: 2022-11-15. Review status: criteria provided, single submitter. Criteria: ACMG Guidelines, 2015. Collection method: clinical testing. Allele origin: germline.

Women's Health and Genetics/Laboratory Corporation of America, LabCorp
Classification: Likely benign. Last evaluated: 2022-05-03. Review status: criteria provided, single submitter. Criteria: LabCorp Variant Classification Summary - May 2015. Collection method: clinical testing. Allele origin: germline.
Comment: Variant summary: AIPL1 c.403G>A (p.Glu135Lys) results in a conservative amino acid change in the encoded protein sequence. Three of five in-silico tools predict a damaging effect of the variant on protein function. The variant allele was found at a frequency of 0.00016 in 250106 control chromosomes, predominantly at a frequency of 0.0019 within the East Asian subpopulation in the gnomAD database. The observed variant frequency within East Asian control individuals in the gnomAD database is approximately 2 fold of the estimated maximal expected allele frequency for a pathogenic variant in AIPL1 causing Leber Congenital Amaurosis phenotype (0.0011), strongly suggesting that the variant is a benign polymorphism found primarily in populations of East Asian origin. To our knowledge, no occurrence of c.403G>A in individuals affected with Leber Congenital Amaurosis and no experimental evidence demonstrating its impact on protein function have been reported. One clinical diagnostic laboratory has submitted clinical-significance assessments for this variant to ClinVar after 2014 without evidence for independent evaluation and classified the variant as uncertain significance. Based on the evidence outlined above, the variant was classified as likely benign.

NM_014336.5(AIPL1):c.403G>A (p.Glu135Lys)

Gene: AIPL1 (AIP like 1 HSP90 co-chaperone; minus strand). Cytogenetic location: 17p13.2.
Variant type: single nucleotide variant.
Coding change: c.403G>A on transcript NM_014336.5 (MANE Select); coding-DNA position 403, G replaced by A.
Protein change: p.Glu135Lys; replaces glutamic acid 135 with lysine.
Molecular consequence: missense variant. On other transcripts: intron variant (1).
Genome position (GRCh38, 1-based): chr17:6,428,380, C>T on the plus strand (G>A on the coding strand, the complement: AIPL1 is on the minus strand). VCF-style: chr17-6428380-C-T. GRCh37 (hg19) VCF-style: chr17-6331700-C-T.
Other names: c.223G>A, p.Glu75Lys (NM_001033055.3); c.367G>A, p.Glu123Lys (NM_001285399.3); c.337G>A, p.Glu113Lys (NM_001285400.3); c.403G>A, p.Glu135Lys (NM_001285401.3, NM_001285403.4); c.286G>A, p.Glu96Lys (NM_001285402.2); c.277-1323G>A (NM_001033054.3); short protein forms E135K, E113K, E123K, E75K, E96K.
Identifiers: ClinVar variation 1406315 (VCV001406315.7), dbSNP rs187653323, ClinGen allele CA8328520.
Genomic context (GRCh38, chr17:6,428,380, plus strand): 5'-GCAGCAGCTCGATCACAAAGACCAGAGGCTGAGGCTCCTTCTGCAGCTCGTCCAGGTCCT[C>T]GTAGCCCAGCGTGTGGTAGGCGAACATGTTGGCCAGCCCGCACGTGTGCACGTGCCACTC-3'
Protein context (NP_055151.3, residues 125-145): NMFAYHTLGY[Glu135Lys]DLDELQKEPQ